The following is an entry in ClinVar:

ClinVar aggregate classification (germline): Uncertain significance (1 of 4 stars; one submission).

Submission:

Labcorp Genetics (formerly Invitae), Labcorp
Classification: Uncertain significance. Last evaluated: 2024-07-29. Review status: criteria provided, single submitter. Criteria: Invitae Variant Classification Sherloc (09022015). Collection method: clinical testing. Allele origin: germline.
Comment: This sequence change replaces glutamic acid, which is acidic and polar, with glutamine, which is neutral and polar, at codon 69 of the ALPK3 protein (p.Glu69Gln). This variant is not present in population databases (gnomAD no frequency). This variant has not been reported in the literature in individuals affected with ALPK3-related conditions. ClinVar contains an entry for this variant (Variation ID: 1932019). An algorithm developed to predict the effect of missense changes on protein structure and function (PolyPhen-2) suggests that this variant is likely to be tolerated. In summary, the available evidence is currently insufficient to determine the role of this variant in disease. Therefore, it has been classified as a Variant of Uncertain Significance.

NC_000015.10:g.84817051G>C

Gene: ALPK3 (alpha kinase 3; plus strand). Cytogenetic location: 15q25.3.
Variant type: single nucleotide variant.
Genome position: GRCh38 VCF-style: chr15-84817051-G-C. GRCh37 (hg19) VCF-style: chr15-85360282-G-C.
Identifiers: ClinVar variation 1932019 (VCV001932019.5), dbSNP rs1276759260, ClinGen allele CA393368431.